The following is an entry in ClinVar:

ClinVar aggregate classification (germline): Likely pathogenic (1 of 4 stars; one submission).

gnomAD v4.1: 8 of 1,598,900 alleles (0.0005%); highest among the groups gnomAD compares: Non-Finnish European, 0.0006%; no homozygotes.

Submission:

Labcorp Genetics (formerly Invitae), Labcorp
Classification: Likely pathogenic. Last evaluated: 2025-05-11. Review status: criteria provided, single submitter. Criteria: Invitae Variant Classification Sherloc (09022015). Collection method: clinical testing. Allele origin: germline.
Comment: This sequence change affects an acceptor splice site in intron 8 of the ATF6 gene. It is expected to disrupt RNA splicing. Variants that disrupt the donor or acceptor splice site typically lead to a loss of protein function (PMID: 16199547), and loss-of-function variants in ATF6 are known to be pathogenic (PMID: 26029869, 26063662, 26070061). This variant is not present in population databases (gnomAD no frequency). This variant has not been reported in the literature in individuals affected with ATF6-related conditions. Algorithms developed to predict the effect of sequence changes on RNA splicing suggest that this variant may disrupt the consensus splice site. In summary, the currently available evidence indicates that the variant is pathogenic, but additional data are needed to prove that conclusively. Therefore, this variant has been classified as Likely Pathogenic.

Literature cited by the submitters: PubMed 16199547; PubMed 26029869; PubMed 26063662; PubMed 26070061.

NM_007348.4(ATF6):c.1096-2A>G

Gene: ATF6 (activating transcription factor 6; plus strand). Cytogenetic location: 1q23.3.
Variant type: single nucleotide variant.
Coding change: c.1096-2A>G on transcript NM_007348.4 (MANE Select); the canonical splice acceptor site of the intron before coding-DNA position 1096, A replaced by G.
Molecular consequence: splice acceptor variant.
Genome position (GRCh38, 1-based): chr1:161,821,068, A>G. VCF-style: chr1-161821068-A-G. GRCh37 (hg19) VCF-style: chr1-161790858-A-G.
Other names: c.1096-2A>G (NM_001437597.1, NM_001410890.1).
Identifiers: ClinVar variation 4702672 (VCV004702672.1).